The following is an entry in ClinVar:

NM_000138.5(FBN1):c.2200T>C (p.Cys734Arg)

Gene: FBN1 (fibrillin 1; minus strand). Cytogenetic location: 15q21.1.
Variant type: single nucleotide variant.
Coding change: c.2200T>C on transcript NM_000138.5 (MANE Select); coding-DNA position 2200, T replaced by C.
Protein change: p.Cys734Arg; replaces cysteine 734 with arginine.
Molecular consequence: missense variant.
Genome position (GRCh38, 1-based): chr15:48,497,359, A>G on the plus strand (T>C on the coding strand, the complement: FBN1 is on the minus strand). VCF-style: chr15-48497359-A-G. GRCh37 (hg19) VCF-style: chr15-48789556-A-G.
Other names: short protein forms C734R.
Identifiers: ClinVar variation 1675078 (VCV001675078.2), dbSNP rs2141306513, ClinGen allele CA392335784.
Genomic context (GRCh38, chr15:48,497,359, plus strand): 5'-ATCCTGAATTGCATATACATTTATAGGTCCCACGAAGGTTTTCACAGATTCCATTTGGGC[A>G]AATATCAGGATCTAGTGCACATTCATTTATATCTGCACCACAAAAAAGGTCAAAATCAAT-3'
Protein context (NP_000129.3, residues 724-744): INECALDPDI[Cys734Arg]PNGICENLRG

ClinVar aggregate classification (germline): Likely pathogenic (1 of 4 stars; one submission).

Conditions:
Geleophysic dysplasia 2 (GPHYSD2). Identifiers: Orphanet 2623, MedGen C3280054, MONDO:0013612, OMIM 614185.
Progeroid and marfanoid aspect-lipodystrophy syndrome. Also called: MARFAN-PROGEROID-LIPODYSTROPHY SYNDROME; Marfan lipodystrophy syndrome; MARFANOID-PROGEROID SYNDROME; MARFANOID-PROGEROID-LIPODYSTROPHY SYNDROME. Identifiers: Orphanet 300382, MedGen C4310796, MONDO:0014831, OMIM 616914.
MASS syndrome (OCTD). Also called: MASS PHENOTYPE; OVERLAP CONNECTIVE TISSUE DISEASE. Identifiers: MedGen C1858556, MONDO:0011431, OMIM 604308.
Marfan syndrome (MFS). Also called: Marfan syndrome, classic; MARFAN SYNDROME, TYPE I; Marfan syndrome type 1; Marfan's syndrome; FBN1-Related Marfan Syndrome. Identifiers: Orphanet 284963, Orphanet 558, MedGen C0024796, MONDO:0007947, OMIM 154700.
Ectopia lentis 1, isolated, autosomal dominant (ECTOL1). Identifiers: Orphanet 1885, MedGen C3541518, MONDO:0007514, OMIM 129600.
Stiff skin syndrome (SSKS). Identifiers: Orphanet 2833, MedGen C1861456, MONDO:0008492, OMIM 184900.
Acromicric dysplasia (ACMICD). Also called: Acromicric skeletal dysplasia. Identifiers: Orphanet 969, MedGen C0265287, MONDO:0007055, OMIM 102370.
Weill-Marchesani syndrome 2, dominant. Also called: FBN1-Related Weill-Marchesani Syndrome; Weill-Marchesani Syndrome, Autosomal Dominant. Identifiers: Orphanet 2084, MedGen C1869115, MONDO:0012013, OMIM 608328.

Submission:

Center for Genomics, Ann and Robert H. Lurie Children's Hospital of Chicago
Classification: Likely pathogenic for Acromicric dysplasia; Ectopia lentis 1, isolated, autosomal dominant; Geleophysic dysplasia 2; MASS syndrome; Progeroid and marfanoid aspect-lipodystrophy syndrome; Marfan syndrome; Stiff skin syndrome; Weill-Marchesani syndrome 2, dominant. Review status: criteria provided, single submitter. Criteria: ACMG Guidelines, 2015. Collection method: clinical testing. Allele origin: germline.
Comment: FBN1 NM_000138.4 exon 18 p.Cys734Arg (c.2200T>C): This variant has not been reported in the literature and is not present in large control databases. Evolutionary conservation suggests that this variant may impact the protein; computational predictive tools for this variant are unclear. Of note, this variant is predicted to affect a cysteine residue. Cysteine in the FBN1 gene is reported to have important functional relevance; variants that involve a cysteine residue are reported to be particularly significant (Dietz 1992 PMID:1301946). In addition, several other variants (p.Cys734Phe, p.Cys734Ser, p.Cys734Tyr) at this position have been reported in individuals with Marfan syndrome, supporting the potential functional relevance of this codon. In summary, data on this variant is highly suspicious for disease, but requires further evidence for pathogenicity. Therefore, this variant classified as likely pathogenic.